The following is an entry in ClinVar:

NM_000525.4(KCNJ11):c.1093C>A (p.Arg365Ser)

Gene: KCNJ11 (potassium inwardly rectifying channel subfamily J member 11; minus strand). Cytogenetic location: 11p15.1.
Variant type: single nucleotide variant.
Coding change: c.1093C>A on transcript NM_000525.4 (MANE Select); coding-DNA position 1093, C replaced by A.
Protein change: p.Arg365Ser; replaces arginine 365 with serine.
Molecular consequence: missense variant.
Genome position (GRCh38, 1-based): chr11:17,386,999, G>T on the plus strand (C>A on the coding strand, the complement: KCNJ11 is on the minus strand). VCF-style: chr11-17386999-G-T. GRCh37 (hg19) VCF-style: chr11-17408546-G-T.
Other names: c.832C>A, p.Arg278Ser (NM_001166290.2, NM_001377296.1, NM_001377297.1); short protein forms R278S, R365S.
Identifiers: ClinVar variation 3339612 (VCV003339612.1).
Genomic context (GRCh38, chr11:17,386,999, plus strand): 5'-AGATGCTGAACTTGGGCTTGGCCTTGGCCATGGGCACGCTGCGCTTGCGCAGGGGCCCGC[G>T]GGCTGAGGCGAGGGTCAGAGCTTCCAGTAGGCTGTGGTCCTCATCAAGCTGGCGGGCCGT-3'
Protein context (NP_000516.3, residues 355-375): LLEALTLASA[Arg365Ser]GPLRKRSVPM

ClinVar aggregate classification (germline): Uncertain significance (1 of 4 stars; one submission).

Submission:

Women's Health and Genetics/Laboratory Corporation of America, LabCorp
Classification: Uncertain significance. Last evaluated: 2024-06-11. Review status: criteria provided, single submitter. Criteria: LabCorp Variant Classification Summary - May 2015. Collection method: clinical testing. Allele origin: germline.
Comment: Variant summary: KCNJ11 c.1093C>A (p.Arg365Ser) results in a non-conservative amino acid change in the encoded protein sequence. Four of five in-silico tools predict a benign effect of the variant on protein function. The variant was absent in 250968 control chromosomes. The available data on variant occurrences in the general population are insufficient to allow any conclusion about variant significance. To our knowledge, no occurrence of c.1093C>A in individuals affected with Congenital Hyperinsulinism and no experimental evidence demonstrating its impact on protein function have been reported. No submitters have cited clinical-significance assessments for this variant to ClinVar. Based on the evidence outlined above, the variant was classified as uncertain significance.